The following is an entry in ClinVar:

ClinVar aggregate classification (germline): Uncertain significance (1 of 4 stars; one submission).

gnomAD v4.1: 1 of 1,613,876 alleles (0.000062%); highest among the groups gnomAD compares: Non-Finnish European, 0.000085%; no homozygotes.

Submission:

Labcorp Genetics (formerly Invitae), Labcorp
Classification: Uncertain significance. Last evaluated: 2024-10-08. Review status: criteria provided, single submitter. Criteria: Invitae Variant Classification Sherloc (09022015). Collection method: clinical testing. Allele origin: germline.
Comment: This sequence change replaces valine, which is neutral and non-polar, with phenylalanine, which is neutral and non-polar, at codon 234 of the DNM1L protein (p.Val234Phe). This variant is not present in population databases (gnomAD no frequency). This variant has not been reported in the literature in individuals affected with DNM1L-related conditions. An algorithm developed to predict the effect of missense changes on protein structure and function (PolyPhen-2) suggests that this variant is likely to be disruptive. In summary, the available evidence is currently insufficient to determine the role of this variant in disease. Therefore, it has been classified as a Variant of Uncertain Significance.

NM_012062.5(DNM1L):c.700G>T (p.Val234Phe)

Gene: DNM1L (dynamin 1 like; plus strand). Cytogenetic location: 12p11.21.
Variant type: single nucleotide variant.
Coding change: c.700G>T on transcript NM_012062.5 (MANE Select); coding-DNA position 700, G replaced by T.
Protein change: p.Val234Phe; replaces valine 234 with phenylalanine.
Molecular consequence: missense variant. On other transcripts: intron variant (1).
Genome position (GRCh38, 1-based): chr12:32,718,723, G>T. VCF-style: chr12-32718723-G-T. GRCh37 (hg19) VCF-style: chr12-32871657-G-T.
Other names: c.700G>T, p.Val234Phe (NM_001278463.2, NM_005690.5, NM_012063.4); c.739G>T, p.Val247Phe (NM_001278464.2, NM_001278465.2, NM_001330380.2); c.132-1941G>T (NM_001278466.2); short protein forms V234F, V247F.
Identifiers: ClinVar variation 3635257 (VCV003635257.2).